The following is an entry in ClinVar:

ClinVar aggregate classification (germline): Uncertain significance (1 of 4 stars; one submission).

Conditions:
MCM2-related disorder. Also called: MCM2-related condition.

Submission:

PreventionGenetics, part of Exact Sciences
Classification: Uncertain significance for MCM2-related condition. Last evaluated: 2025-08-07. Review status: criteria provided, single submitter. Criteria: ACMG Guidelines, 2015. Collection method: clinical testing. Allele origin: germline.
Comment: The MCM2 c.481G>A variant is predicted to result in the amino acid substitution p.Gly161Ser. To our knowledge, this variant has not been reported in the literature. This variant is reported in 0.0065% of alleles in individuals of South Asian descent in gnomAD. At this time, the clinical significance of this variant is uncertain due to the absence of conclusive functional and genetic evidence.

NM_004526.4(MCM2):c.481G>A (p.Gly161Ser)

Gene: MCM2 (minichromosome maintenance complex component 2; plus strand). Cytogenetic location: 3q21.3.
Variant type: single nucleotide variant.
Coding change: c.481G>A on transcript NM_004526.4 (MANE Select); coding-DNA position 481, G replaced by A.
Protein change: p.Gly161Ser; replaces glycine 161 with serine.
Molecular consequence: missense variant. On other transcripts: non-coding transcript variant (1).
Genome position (GRCh38, 1-based): chr3:127,604,964, G>A. VCF-style: chr3-127604964-G-A. GRCh37 (hg19) VCF-style: chr3-127323807-G-A.
Other names: short protein forms G161S.
Identifiers: ClinVar variation 4990343 (VCV004990343.1).